The following is an entry in ClinVar:

NM_022051.3(EGLN1):c.742T>C (p.Ser248Pro)

Gene: EGLN1 (egl-9 family hypoxia inducible factor 1; minus strand). Cytogenetic location: 1q42.2.
Variant type: single nucleotide variant.
Coding change: c.742T>C on transcript NM_022051.3 (MANE Select); coding-DNA position 742, T replaced by C.
Protein change: p.Ser248Pro; replaces serine 248 with proline.
Molecular consequence: missense variant.
Genome position (GRCh38, 1-based): chr1:231,421,147, A>G on the plus strand (T>C on the coding strand, the complement: EGLN1 is on the minus strand). VCF-style: chr1-231421147-A-G. GRCh37 (hg19) VCF-style: chr1-231556893-A-G.
Other names: c.742T>C, p.Ser248Pro (NM_001377260.1, NM_001377261.1); short protein forms S248P.
Identifiers: ClinVar variation 2626707 (VCV002626707.2), dbSNP rs1656577037, ClinGen allele CA345235480.
Genomic context (GRCh38, chr1:231,421,147, plus strand): 5'-TTTCGCAGCCGGGCTCCTTGCCCTCGATCCAGGTGATCTTATCGCCTCGGATGTCCTTGG[A>G]CGAGTCACTCTTCTGGCTGACCAGCTGCCCGTCCGTGAACTTCCCGGTGTCGTGCAGGGC-3'
Protein context (NP_071334.1, residues 238-258): GQLVSQKSDS[Ser248Pro]KDIRGDKITW

ClinVar aggregate classification (germline): Uncertain significance (1 of 4 stars; one submission).

Allele frequency attached by ClinVar (database versions not stated): TOPMed below 0.00001.

Submission:

Ambry Genetics
Classification: Uncertain significance. Last evaluated: 2023-08-26. Review status: criteria provided, single submitter. Criteria: Ambry Variant Classification Scheme 2023. Collection method: clinical testing. Allele origin: germline.
Comment: The p.S248P variant (also known as c.742T>C), located in coding exon 1 of the EGLN1 gene, results from a T to C substitution at nucleotide position 742. The serine at codon 248 is replaced by proline, an amino acid with similar properties. This amino acid position is conserved. In addition, this alteration is predicted to be tolerated by in silico analysis. Since supporting evidence is limited at this time, the clinical significance of this alteration remains unclear.